The following is an entry in ClinVar:

ClinVar aggregate classification (germline): Uncertain significance. Review status: criteria provided, multiple submitters, no conflicts (2 of 4 stars). 3 submissions from 3 submitters: Uncertain significance (3). Last evaluated 2026-04-08.

Conditions:
Hereditary cancer-predisposing syndrome. Also called: Tumor predisposition; Hereditary neoplastic syndrome; Neoplastic Syndromes, Hereditary; Hereditary Cancer Syndrome. Identifiers: Orphanet 140162, MedGen C0027672, MeSH D009386, MONDO:0015356.
Rhabdoid tumor predisposition syndrome 2 (RTPS2). Identifiers: Orphanet 231108, Orphanet 69077, MedGen C2750074, MONDO:0013224, OMIM 613325.

Submissions (3):

Ambry Genetics
Classification: Uncertain significance for Hereditary cancer-predisposing syndrome. Last evaluated: 2026-04-08. Review status: criteria provided, single submitter. Criteria: Ambry Variant Classification Scheme 2023. Collection method: clinical testing. Allele origin: germline.

Labcorp Genetics (formerly Invitae), Labcorp
Classification: Uncertain significance for Rhabdoid tumor predisposition syndrome 2. Last evaluated: 2025-12-08. Review status: criteria provided, single submitter. Criteria: Invitae Variant Classification Sherloc (09022015). Collection method: clinical testing. Allele origin: germline.
Comment: This sequence change replaces lysine, which is basic and polar, with arginine, which is basic and polar, at codon 1213 of the SMARCA4 protein (p.Lys1213Arg). This variant is not present in population databases (gnomAD no frequency). This variant has not been reported in the literature in individuals affected with SMARCA4-related conditions. ClinVar contains an entry for this variant (Variation ID: 2663428). Invitae Evidence Modeling of protein sequence and biophysical properties (such as structural, functional, and spatial information, amino acid conservation, physicochemical variation, residue mobility, and thermodynamic stability) indicates that this missense variant is not expected to disrupt SMARCA4 protein function with a negative predictive value of 95%. In summary, the available evidence is currently insufficient to determine the role of this variant in disease. Therefore, it has been classified as a Variant of Uncertain Significance.

GeneDx
Classification: Uncertain significance. Last evaluated: 2023-05-01. Review status: criteria provided, single submitter. Criteria: GeneDx Variant Classification Process June 2021. Collection method: clinical testing. Allele origin: germline. Affected: yes.
Comment: Not observed at significant frequency in large population cohorts (gnomAD); In silico analysis supports that this missense variant does not alter protein structure/function; Has not been previously published as pathogenic or benign to our knowledge

NM_003072.5(SMARCA4):c.3638A>G (p.Lys1213Arg)

Gene: SMARCA4 (SWI/SNF related BAF chromatin remodeling complex subunit ATPase 4; plus strand). Cytogenetic location: 19p13.2.
Variant type: single nucleotide variant.
Coding change: c.3638A>G on transcript NM_003072.5 (MANE Select); coding-DNA position 3638, A replaced by G.
Protein change: p.Lys1213Arg; replaces lysine 1213 with arginine.
Molecular consequence: missense variant. On other transcripts: non-coding transcript variant (1).
Genome position (GRCh38, 1-based): chr19:11,033,381, A>G. VCF-style: chr19-11033381-A-G. GRCh37 (hg19) VCF-style: chr19-11144057-A-G.
Other names: c.3638A>G, p.Lys1213Arg (NM_001128844.3, NM_001128845.2, NM_001128846.2 and 6 more transcripts); short protein forms K1213R.
Identifiers: ClinVar variation 2663428 (VCV002663428.4), dbSNP rs2146650840, ClinGen allele CA404065539.
Genomic context (GRCh38, chr19:11,033,381, plus strand): 5'-TCGGGCAGCAGAACGAGGTGCGTGTGCTCCGCCTCTGCACCGTCAACAGCGTGGAGGAGA[A>G]GATCCTAGCTGCAGCCAAGTACAAGCTCAACGTGGACCAGAAGGTGATCCAGGCCGGCAT-3'
Protein context (NP_003063.2, residues 1203-1223): RLCTVNSVEE[Lys1213Arg]ILAAAKYKLN